The following is an entry in ClinVar:

ClinVar aggregate classification (germline): Likely benign (1 of 4 stars; one submission).

Submission:

CeGaT Center for Human Genetics Tuebingen
Classification: Likely benign. Last evaluated: 2024-03-01. Review status: criteria provided, single submitter. Criteria: CeGaT Center For Human Genetics Tuebingen Variant Classification Criteria Version 2. Collection method: clinical testing. Allele origin: germline. Affected: yes. Observed: 1 variant allele.
Comment: PRR12: PM2:Supporting, BP4, BP7

NM_020719.3(PRR12):c.1128T>G (p.Gly376=)

Gene: PRR12 (proline rich 12; plus strand). Cytogenetic location: 19q13.33.
Variant type: single nucleotide variant.
Coding change: c.1128T>G on transcript NM_020719.3 (MANE Select); coding-DNA position 1128, T replaced by G.
Protein change: p.Gly376=; no amino-acid change (glycine 376 retained).
Molecular consequence: synonymous variant.
Genome position (GRCh38, 1-based): chr19:49,595,463, T>G. VCF-style: chr19-49595463-T-G. GRCh37 (hg19) VCF-style: chr19-50098720-T-G.
Identifiers: ClinVar variation 3067344 (VCV003067344.21), dbSNP rs1599784926, ClinGen allele CA508288145.